The following is an entry in ClinVar:

ClinVar aggregate classification (germline): Uncertain significance. Review status: criteria provided, multiple submitters, no conflicts (2 of 4 stars). 3 submissions from 3 submitters: Uncertain significance (3). Last evaluated 2025-11-20.

Conditions:
Inborn genetic diseases. Identifiers: MedGen C0950123, MeSH D030342.
Familial hemophagocytic lymphohistiocytosis 3 (FHL3). Also called: UNC13D-Related Familial Hemophagocytic Lymphohistiocytosis (UNC13D-fHLH). Identifiers: Orphanet 540, MedGen C1837174, MONDO:0012146, OMIM 608898.

Allele frequency attached by ClinVar (database versions not stated): gnomAD 0.00001; TOPMed 0.00001; gnomAD exomes 0.00002 and 0.00004; ExAC 0.00003.
gnomAD v4.1: 24 of 1,613,534 alleles (0.0015%); highest among the groups gnomAD compares: Middle Eastern, 0.016%; no homozygotes.

Submissions (3):

Ambry Genetics
Classification: Uncertain significance for Inborn genetic diseases. Last evaluated: 2025-11-20. Review status: criteria provided, single submitter. Criteria: Ambry Variant Classification Scheme 2023. Collection method: clinical testing. Allele origin: germline.

Genomic Medicine Center of Excellence, King Faisal Specialist Hospital and Research Centre
Classification: Uncertain significance for Familial hemophagocytic lymphohistiocytosis 3. Last evaluated: 2025-09-10. Review status: criteria provided, single submitter. Criteria: ACMG Guidelines, 2015. Collection method: clinical testing. Allele origin: germline.

Labcorp Genetics (formerly Invitae), Labcorp
Classification: Uncertain significance for Familial hemophagocytic lymphohistiocytosis 3. Last evaluated: 2022-06-09. Review status: criteria provided, single submitter. Criteria: Invitae Variant Classification Sherloc (09022015). Collection method: clinical testing. Allele origin: germline.
Comment: This sequence change replaces alanine, which is neutral and non-polar, with threonine, which is neutral and polar, at codon 834 of the UNC13D protein (p.Ala834Thr). This variant is present in population databases (rs748256131, gnomAD 0.01%). This variant has not been reported in the literature in individuals affected with UNC13D-related conditions. ClinVar contains an entry for this variant (Variation ID: 954254). Algorithms developed to predict the effect of missense changes on protein structure and function output the following: SIFT: "Not Available"; PolyPhen-2: "Benign"; Align-GVGD: "Not Available". The threonine amino acid residue is found in multiple mammalian species, which suggests that this missense change does not adversely affect protein function. In summary, the available evidence is currently insufficient to determine the role of this variant in disease. Therefore, it has been classified as a Variant of Uncertain Significance.

NM_199242.3(UNC13D):c.2500G>A (p.Ala834Thr)

Gene: UNC13D (unc-13 homolog D; minus strand). Cytogenetic location: 17q25.1.
Variant type: single nucleotide variant.
Coding change: c.2500G>A on transcript NM_199242.3 (MANE Select); coding-DNA position 2500, G replaced by A.
Protein change: p.Ala834Thr; replaces alanine 834 with threonine.
Molecular consequence: missense variant.
Genome position (GRCh38, 1-based): chr17:75,831,296, C>T on the plus strand (G>A on the coding strand, the complement: UNC13D is on the minus strand). VCF-style: chr17-75831296-C-T. GRCh37 (hg19) VCF-style: chr17-73827377-C-T.
Other names: short protein forms A834T.
Identifiers: ClinVar variation 954254 (VCV000954254.5), dbSNP rs748256131, ClinGen allele CA8772492.